The following is an entry in ClinVar:

NM_001376.5(DYNC1H1):c.311del (p.Asn104fs)

Gene: DYNC1H1 (dynein cytoplasmic 1 heavy chain 1; plus strand). Cytogenetic location: 14q32.31.
Variant type: Deletion.
Coding change: c.311del on transcript NM_001376.5 (MANE Select); coding-DNA position 311, one base deleted (A; older notation c.311delA).
Protein change: p.Asn104fs; shifts the reading frame from asparagine 104.
Molecular consequence: frameshift variant.
Genome position (GRCh38, 1-based): chr14:101,975,766, A deleted; the last of 2 consecutive A bases (chr14:101,975,765-101,975,766); deleting either gives the same sequence. VCF-style (leftmost placement, unchanged base first): chr14-101975764-CA-C. GRCh37 (hg19) VCF-style: chr14-102442101-CA-C.
Other names: short protein forms N104fs.
Identifiers: ClinVar variation 2747863 (VCV002747863.3), dbSNP rs2503672245, ClinGen allele CA2697554233.

ClinVar aggregate classification (germline): Uncertain significance (1 of 4 stars; one submission).

Conditions:
Charcot-Marie-Tooth disease axonal type 2O. Also called: CHARCOT-MARIE-TOOTH NEUROPATHY, AXONAL, TYPE 2O; CHARCOT-MARIE-TOOTH DISEASE, AXONAL, AUTOSOMAL DOMINANT, TYPE 2O; Charcot-Marie-Tooth disease, axonal, type 20; Charcot-Marie-Tooth Neuropathy Type 2O. Identifiers: Orphanet 284232, MedGen C3280220, MONDO:0013644, OMIM 614228.

Submission:

Labcorp Genetics (formerly Invitae), Labcorp
Classification: Uncertain significance for Charcot-Marie-Tooth disease axonal type 2O. Last evaluated: 2025-08-11. Review status: criteria provided, single submitter. Criteria: Invitae Variant Classification Sherloc (09022015). Collection method: clinical testing. Allele origin: germline.
Comment: This sequence change creates a premature translational stop signal (p.Asn104Thrfs*2) in the DYNC1H1 gene. It is expected to result in an absent or disrupted protein product. However, the current clinical and genetic evidence is not sufficient to establish whether loss-of-function variants in DYNC1H1 cause disease. This variant is not present in population databases (gnomAD no frequency). This variant has not been reported in the literature in individuals affected with DYNC1H1-related conditions. ClinVar contains an entry for this variant (Variation ID: 2747863). In summary, the available evidence is currently insufficient to determine the role of this variant in disease. Therefore, it has been classified as a Variant of Uncertain Significance.